The following is an entry in ClinVar:

ClinVar aggregate classification (germline): Pathogenic (1 of 4 stars; one submission).

Conditions:
Familial adenomatous polyposis 4 (FAP4). Also called: MSH3-related attenuated familial adenomatous polyposis. Identifiers: Orphanet 480536, MedGen C4310719, MONDO:0044300, OMIM 617100.

Submission:

Myriad Genetics, Inc.
Classification: Pathogenic for Familial adenomatous polyposis 4. Last evaluated: 2025-12-08. Review status: criteria provided, single submitter. Criteria: Myriad Autosomal Dominant, Autosomal Recessive and X-Linked Classification Criteria (2023). Collection method: clinical testing. Allele origin: unknown.
Comment: This variant is considered pathogenic. This variant creates a frameshift predicted to result in premature protein truncation.

NM_002439.5(MSH3):c.802del (p.Arg268fs)

Gene: MSH3 (mutS homolog 3; plus strand). Cytogenetic location: 5q14.1.
Variant type: Deletion.
Coding change: c.802del on transcript NM_002439.5 (MANE Select); coding-DNA position 802, one base deleted (C; older notation c.802delC).
Protein change: p.Arg268fs; shifts the reading frame from arginine 268.
Molecular consequence: frameshift variant.
Genome position (GRCh38, 1-based): chr5:80,672,253, C deleted; the last of 3 consecutive C bases (chr5:80,672,251-80,672,253); deleting any one gives the same sequence. VCF-style (leftmost placement, unchanged base first): chr5-80672250-GC-G. GRCh37 (hg19) VCF-style: chr5-79968069-GC-G.
Other names: short protein forms R268fs.
Identifiers: ClinVar variation 4813007 (VCV004813007.1).